The following is an entry in ClinVar:

NM_021096.4(CACNA1I):c.906C>A (p.Asp302Glu)

Gene: CACNA1I (calcium voltage-gated channel subunit alpha1 I; plus strand). Cytogenetic location: 22q13.1.
Variant type: single nucleotide variant.
Coding change: c.906C>A on transcript NM_021096.4 (MANE Select); coding-DNA position 906, C replaced by A.
Protein change: p.Asp302Glu; replaces aspartic acid 302 with glutamic acid.
Molecular consequence: missense variant.
Genome position (GRCh38, 1-based): chr22:39,641,032, C>A. VCF-style: chr22-39641032-C-A. GRCh37 (hg19) VCF-style: chr22-40037037-C-A.
Other names: c.906C>A, p.Asp302Glu (NM_001003406.2); short protein forms D302E.
Identifiers: ClinVar variation 4681789 (VCV004681789.5).

ClinVar aggregate classification (germline): Uncertain significance (1 of 4 stars; one submission).

Submission:

CeGaT Center for Human Genetics Tuebingen
Classification: Uncertain significance. Last evaluated: 2025-12-01. Review status: criteria provided, single submitter. Criteria: CeGaT Center For Human Genetics Tuebingen Variant Classification Criteria Version 2. Collection method: clinical testing. Allele origin: germline. Affected: yes. Observed: 1 variant allele.
Comment: CACNA1I: PM2, PP2